The following is an entry in ClinVar:

ClinVar aggregate classification (germline): Uncertain significance (0 of 4 stars; one submission).

Conditions:
CC2D2A-related disorder. Also called: CC2D2A-related disorders; CC2D2A-related condition. Identifiers: MedGen CN239313.

Submission:

PreventionGenetics, part of Exact Sciences
Classification: Uncertain significance for CC2D2A-related condition. Last evaluated: 2023-12-14. Review status: no assertion criteria provided. Collection method: clinical testing. Allele origin: germline.
Comment: The CC2D2A c.332C>A variant is predicted to result in the amino acid substitution p.Ala111Glu. To our knowledge, this variant has not been reported in the literature or in a large population database, indicating this variant is rare. At this time, the clinical significance of this variant is uncertain due to the absence of conclusive functional and genetic evidence.

NM_001378615.1(CC2D2A):c.332C>A (p.Ala111Glu)

Genes: CC2D2A (coiled-coil and C2 domain containing 2A; plus strand), FBXL5 (F-box and leucine rich repeat protein 5; minus strand). Cytogenetic location: 4p15.32.
Variant type: single nucleotide variant.
Coding change: c.332C>A on transcript NM_001378615.1 (MANE Select); coding-DNA position 332, C replaced by A.
Protein change: p.Ala111Glu; replaces alanine 111 with glutamic acid.
Molecular consequence: missense variant.
Genome position (GRCh38, 1-based): chr4:15,502,513, C>A. VCF-style: chr4-15502513-C-A. GRCh37 (hg19) VCF-style: chr4-15504136-C-A.
Other names: c.332C>A, p.Ala111Glu (NM_001080522.2); c.185C>A, p.Ala62Glu (NM_001378617.1); short protein forms A111E, A62E.
Identifiers: ClinVar variation 3051059 (VCV003051059.2), dbSNP rs137878385, ClinGen allele CA356408219.